The following is an entry in ClinVar:

NM_000051.4(ATM):c.2922-23C>A

Gene: ATM (ATM serine/threonine kinase; plus strand). Cytogenetic location: 11q22.3.
Variant type: single nucleotide variant.
Coding change: c.2922-23C>A on transcript NM_000051.4 (MANE Select); 23 bases into the intron before coding-DNA position 2922, C replaced by A.
Molecular consequence: intron variant.
Genome position (GRCh38, 1-based): chr11:108,271,228, C>A. VCF-style: chr11-108271228-C-A. GRCh37 (hg19) VCF-style: chr11-108141955-C-A.
Other names: c.2922-23C>A (NM_001351834.2).
Identifiers: ClinVar variation 1275845 (VCV001275845.4), dbSNP rs571402682, ClinGen allele CA6265152.
Genomic context (GRCh38, chr11:108,271,228, plus strand): 5'-TTATGTTCACTTTAAAGTTATAAAATAACTGATGTGTTCTGTTAAGCTTATAAAGTTGAA[C>A]TTTTTTTTTTTTTTTACCACAGCAATGTGTGTTCTTTGTATCGTCGTGACCAAGATGTTT-3'

ClinVar aggregate classification (germline): Likely benign. Review status: criteria provided, multiple submitters, no conflicts (2 of 4 stars). 4 submissions from 4 submitters: Likely benign (2). 2 of the submissions do not count toward it. Last evaluated 2025-12-29.

Allele frequency attached by ClinVar (database versions not stated): ExAC 0.00009; gnomAD exomes 0.00016; gnomAD 0.00034 and 0.00035; TOPMed 0.00036.
gnomAD v4.1: 272 of 1,565,974 alleles (0.017%); highest among the groups gnomAD compares: Admixed American, 0.09%; no homozygotes.

Submissions (4):

Center for Genomic Medicine, Rigshospitalet, Copenhagen University Hospital
Classification: Likely benign. Last evaluated: 2025-12-29. Review status: criteria provided, single submitter. Criteria: ACMG Guidelines, 2015. Collection method: clinical testing. Allele origin: germline.
Comment: Classification criteria: BP7, BP4

Women's Health and Genetics/Laboratory Corporation of America, LabCorp
Classification: Likely benign. Last evaluated: 2025-12-19. Review status: criteria provided, single submitter. Criteria: LabCorp Variant Classification Summary - May 2015. Collection method: clinical testing. Allele origin: germline.
Comment: Variant summary: ATM c.2922-23C>A is located at a position not widely known to affect splicing. Consensus agreement among computation tools predict no significant impact on normal splicing. However, these predictions have yet to be confirmed by functional studies. The frequency data for this variant in gnomAD is considered unreliable, as metrics indicate poor data quality at this position. To our knowledge, no occurrence of c.2922-23C>A in individuals affected with ATM-related conditions and no experimental evidence demonstrating its impact on protein function have been reported. ClinVar contains an entry for this variant (Variation ID: 1275845). Based on the evidence outlined above, the variant was classified as likely benign.

Clinical Genetics DNA and cytogenetics Diagnostics Lab, Erasmus MC, Erasmus Medical Center
Classification: Likely benign. Review status: no assertion criteria provided. Collection method: clinical testing. Allele origin: germline. Affected: yes. Study: VKGL Data-share Consensus. Not counted in ClinVar's aggregate classification.

Clinical Genetics Laboratory, Department of Pathology, Netherlands Cancer Institute
Classification: Likely benign. Review status: no assertion criteria provided. Collection method: clinical testing. Allele origin: germline. Affected: yes. Study: VKGL Data-share Consensus. Not counted in ClinVar's aggregate classification.